The following is an entry in ClinVar:

ClinVar aggregate classification (germline): Uncertain significance (1 of 4 stars; one submission).

Conditions:
Early-onset Lafora body disease. Also called: Epilepsy, progressive myoclonic, 10. Identifiers: Orphanet 324290, MedGen C4225258, MONDO:0014717, OMIM 616640.

Allele frequency attached by ClinVar (database versions not stated): gnomAD exomes below 0.00001 and 0.00002; ExAC 0.00001; TOPMed 0.00001.
gnomAD v4.1: 6 of 1,614,122 alleles (0.00037%); highest among the groups gnomAD compares: Non-Finnish European, 0.00051%; no homozygotes.

Submission:

Labcorp Genetics (formerly Invitae), Labcorp
Classification: Uncertain significance for Early-onset Lafora body disease. Last evaluated: 2022-02-20. Review status: criteria provided, single submitter. Criteria: Invitae Variant Classification Sherloc (09022015). Collection method: clinical testing. Allele origin: germline.
Comment: In summary, the available evidence is currently insufficient to determine the role of this variant in disease. Therefore, it has been classified as a Variant of Uncertain Significance. Algorithms developed to predict the effect of missense changes on protein structure and function are either unavailable or do not agree on the potential impact of this missense change (SIFT: "Deleterious"; PolyPhen-2: "Possibly Damaging"; Align-GVGD: "Class C0"). ClinVar contains an entry for this variant (Variation ID: 475680). This variant has not been reported in the literature in individuals affected with PRDM8-related conditions. This variant is present in population databases (rs775975261, gnomAD 0.004%). This sequence change replaces leucine, which is neutral and non-polar, with phenylalanine, which is neutral and non-polar, at codon 138 of the PRDM8 protein (p.Leu138Phe).

NM_001099403.2(PRDM8):c.412C>T (p.Leu138Phe)

Genes: PRDM8 (PR/SET domain 8; plus strand), LOC126807094 (CDK7 strongly-dependent group 2 enhancer GRCh37_chr4:81121978-81123177; plus strand). Cytogenetic location: 4q21.21.
Variant type: single nucleotide variant.
Coding change: c.412C>T on transcript NM_001099403.2 (MANE Select); coding-DNA position 412, C replaced by T.
Protein change: p.Leu138Phe; replaces leucine 138 with phenylalanine.
Molecular consequence: missense variant.
Genome position (GRCh38, 1-based): chr4:80,201,482, C>T. VCF-style: chr4-80201482-C-T. GRCh37 (hg19) VCF-style: chr4-81122636-C-T.
Other names: c.412C>T, p.Leu138Phe (NM_020226.4); short protein forms L138F.
Identifiers: ClinVar variation 475680 (VCV000475680.11), dbSNP rs775975261, ClinGen allele CA2982202.